The following is an entry in ClinVar:

NM_144964.4(TRMT10B):c.895T>C (p.Leu299=)

Gene: TRMT10B (tRNA methyltransferase 10B; plus strand). Cytogenetic location: 9p13.2.
Variant type: single nucleotide variant.
Coding change: c.895T>C on transcript NM_144964.4 (MANE Select); coding-DNA position 895, T replaced by C.
Protein change: p.Leu299=; no amino-acid change (leucine 299 retained).
Molecular consequence: synonymous variant. On other transcripts: non-coding transcript variant (1).
Genome position (GRCh38, 1-based): chr9:37,777,651, T>C. VCF-style: chr9-37777651-T-C. GRCh37 (hg19) VCF-style: chr9-37777648-T-C.
Other names: c.715T>C, p.Leu239= (NM_001286950.2); c.610T>C, p.Leu204= (NM_001286951.2); c.634T>C, p.Leu212= (NM_001286952.2); c.535T>C, p.Leu179= (NM_001286953.2, NM_001286954.2).
Identifiers: ClinVar variation 3387859 (VCV003387859.14).
Genomic context (GRCh38, chr9:37,777,651, plus strand): 5'-TCTCTAACAGTGTTTGATATCCTGTCCACTTACTTAGAGACTCACAACTGGCCTGAAGCA[T>C]TGAAGAAAGGAGTTTCTTCAGGAAAAGGCTATATTCTTCGGAACTCAGTGGAATGATGGG-3'
Protein context (NP_659401.2, residues 289-309): YLETHNWPEA[Leu299=]KKGVSSGKGY

ClinVar aggregate classification (germline): Likely benign (1 of 4 stars; one submission).

Submission:

CeGaT Center for Human Genetics Tuebingen
Classification: Likely benign. Last evaluated: 2024-10-01. Review status: criteria provided, single submitter. Criteria: CeGaT Center For Human Genetics Tuebingen Variant Classification Criteria Version 2. Collection method: clinical testing. Allele origin: germline. Affected: yes. Observed: 1 variant allele.
Comment: TRMT10B: BP4, BP7, BS1